The following is an entry in ClinVar:

ClinVar aggregate classification (germline): Uncertain significance. Review status: criteria provided, multiple submitters, no conflicts (2 of 4 stars). 2 submissions from 2 submitters: Uncertain significance (2). Last evaluated 2025-07-16.

Conditions:
Inborn genetic diseases. Identifiers: MedGen C0950123, MeSH D030342.

Allele frequency attached by ClinVar (database versions not stated): TOPMed 0.00002; gnomAD 0.00003; gnomAD exomes 0.00005; ExAC 0.00006.
gnomAD v4.1: 80 of 1,613,982 alleles (0.005%); highest among the groups gnomAD compares: East Asian, 0.036%; no homozygotes.

Submissions (2):

Labcorp Genetics (formerly Invitae), Labcorp
Classification: Uncertain significance. Last evaluated: 2025-07-16. Review status: criteria provided, single submitter. Criteria: Invitae Variant Classification Sherloc (09022015). Collection method: clinical testing. Allele origin: germline.
Comment: This sequence change replaces arginine, which is basic and polar, with cysteine, which is neutral and slightly polar, at codon 719 of the TFRC protein (p.Arg719Cys). This variant is present in population databases (rs764730449, gnomAD 0.03%). This variant has not been reported in the literature in individuals affected with TFRC-related conditions. ClinVar contains an entry for this variant (Variation ID: 2144188). Invitae Evidence Modeling of protein sequence and biophysical properties (such as structural, functional, and spatial information, amino acid conservation, physicochemical variation, residue mobility, and thermodynamic stability) indicates that this missense variant is expected to disrupt TFRC protein function with a positive predictive value of 80%. In summary, the available evidence is currently insufficient to determine the role of this variant in disease. Therefore, it has been classified as a Variant of Uncertain Significance.

Ambry Genetics
Classification: Uncertain significance for Inborn genetic diseases. Last evaluated: 2025-01-08. Review status: criteria provided, single submitter. Criteria: Ambry Variant Classification Scheme 2023. Collection method: clinical testing. Allele origin: germline.

NM_001128148.3(TFRC):c.2155C>T (p.Arg719Cys)

Gene: TFRC (transferrin receptor; minus strand). Cytogenetic location: 3q29.
Variant type: single nucleotide variant.
Coding change: c.2155C>T on transcript NM_001128148.3 (MANE Select); coding-DNA position 2155, C replaced by T.
Protein change: p.Arg719Cys; replaces arginine 719 with cysteine.
Molecular consequence: missense variant.
Genome position (GRCh38, 1-based): chr3:196,052,070, G>A on the plus strand (C>T on the coding strand, the complement: TFRC is on the minus strand). VCF-style: chr3-196052070-G-A. GRCh37 (hg19) VCF-style: chr3-195778941-G-A.
Other names: c.1912C>T, p.Arg638Cys (NM_001313965.2); c.1309C>T, p.Arg437Cys (NM_001313966.2); c.2155C>T, p.Arg719Cys (NM_003234.4); c.2155C>T (NM_003234.2); short protein forms R719C, R638C, R437C.
Identifiers: ClinVar variation 2144188 (VCV002144188.6), dbSNP rs764730449, ClinGen allele CA2777695.
Genomic context (GRCh38, chr3:196,052,070, plus strand): 5'-TAGCTAGAGCCAACTGGTTTCTGAACAGCGTTTCATTAAAAGCACCGTTATTTTGTTTAC[G>A]CAGTTTCAAGTTCTCCAGTAAAGCTGGCAGCGTGTGAGAGCCGGAGCCCCAGAAGACATG-3'
Protein context (NP_001121620.1, residues 709-729): LPALLENLKL[Arg719Cys]KQNNGAFNET